The following is an entry in ClinVar:

ClinVar aggregate classification (germline): Uncertain significance (1 of 4 stars; one submission).

gnomAD v4.1: 21 of 152,230 alleles (0.014%); highest among the groups gnomAD compares: Non-Finnish European, 0.028%; no homozygotes.

Submission:

Greenwood Genetic Center Diagnostic Laboratories, Greenwood Genetic Center
Classification: Uncertain significance. Last evaluated: 2025-02-19. Review status: criteria provided, single submitter. Criteria: ACMG Guidelines, 2015. Collection method: clinical testing. Allele origin: germline.
Comment: PM2, BP4

NM_001039141.3(TRIOBP):c.115-275A>C

Gene: TRIOBP (TRIO and F-actin binding protein; plus strand). Cytogenetic location: 22q13.1.
Variant type: single nucleotide variant.
Coding change: c.115-275A>C on transcript NM_001039141.3 (MANE Select); 275 bases into the intron before coding-DNA position 115, A replaced by C.
Molecular consequence: intron variant.
Genome position (GRCh38, 1-based): chr22:37,710,152, A>C. VCF-style: chr22-37710152-A-C. GRCh37 (hg19) VCF-style: chr22-38106159-A-C.
Identifiers: ClinVar variation 4851677 (VCV004851677.1).
Genomic context (GRCh38, chr22:37,710,152, plus strand): 5'-GTGTACCCGCGGGACCTGCGTAGACACGCATGCGCAAGAGCTCGCTCCACCTATGTGCAC[A>C]CATGTGCCCCCAATACCAGGCCTTTATCCACACACATACCTGCTCCAAGGCCCATATGTG-3'